The following is an entry in ClinVar:

NM_001278716.2(FBXL4):c.780C>A (p.Asp260Glu)

Gene: FBXL4 (F-box and leucine rich repeat protein 4; minus strand). Cytogenetic location: 6q16.2.
Variant type: single nucleotide variant.
Coding change: c.780C>A on transcript NM_001278716.2 (MANE Select); coding-DNA position 780, C replaced by A.
Protein change: p.Asp260Glu; replaces aspartic acid 260 with glutamic acid.
Molecular consequence: missense variant.
Genome position (GRCh38, 1-based): chr6:98,917,452, G>T on the plus strand (C>A on the coding strand, the complement: FBXL4 is on the minus strand). VCF-style: chr6-98917452-G-T. GRCh37 (hg19) VCF-style: chr6-99365328-G-T.
Other names: c.780C>A, p.Asp260Glu (NM_012160.5); short protein forms D260E.
Identifiers: ClinVar variation 2069668 (VCV002069668.4), dbSNP rs929955972, ClinGen allele CA365083097.

ClinVar aggregate classification (germline): Uncertain significance (1 of 4 stars; one submission).

Submission:

Labcorp Genetics (formerly Invitae), Labcorp
Classification: Uncertain significance. Last evaluated: 2022-03-29. Review status: criteria provided, single submitter. Criteria: Invitae Variant Classification Sherloc (09022015). Collection method: clinical testing. Allele origin: germline.
Comment: This sequence change replaces aspartic acid, which is acidic and polar, with glutamic acid, which is acidic and polar, at codon 260 of the FBXL4 protein (p.Asp260Glu). This variant is not present in population databases (gnomAD no frequency). This variant has not been reported in the literature in individuals affected with FBXL4-related conditions. Advanced modeling of protein sequence and biophysical properties (such as structural, functional, and spatial information, amino acid conservation, physicochemical variation, residue mobility, and thermodynamic stability) performed at Invitae indicates that this missense variant is not expected to disrupt FBXL4 protein function. In summary, the available evidence is currently insufficient to determine the role of this variant in disease. Therefore, it has been classified as a Variant of Uncertain Significance.